The following is an entry in ClinVar:

ClinVar aggregate classification (germline): Pathogenic (1 of 4 stars; one submission).

Conditions:
Inborn genetic diseases. Identifiers: MedGen C0950123, MeSH D030342.

Submission:

Ambry Genetics
Classification: Pathogenic for Inborn genetic diseases. Last evaluated: 2021-10-29. Review status: criteria provided, single submitter. Criteria: Ambry Variant Classification Scheme 2023. Collection method: clinical testing. Allele origin: germline.
Comment: The c.4024C>T (p.R1342*) alteration, located in exon 33 (coding exon 33) of the CACNA1D gene, consists of a C to T substitution at nucleotide position 4024. This changes the amino acid from an arginine (R) to a stop codon at amino acid position 1342. This alteration is expected to result in loss of function by premature protein truncation or nonsense-mediated mRNA decay. This alteration would be pathogenic for autosomal recessive sinoatrial node dysfunction and deafness, for which the mechanism of disease is biallelic loss of function. However, loss-of-function for autosomal dominant primary aldosteronism, seizures, and neurologic abnormalities has not been clearly established as a mechanism of disease. Based on the supporting evidence, this variant is expected to be causative of autosomal recessive sinoatrial node dysfunction and deafness; however, its clinical significance for autosomal dominant primary aldosteronism, seizures, and neurologic abnormalities is unclear. This variant was not reported in population-based cohorts in the Genome Aggregation Database (gnomAD). Based on the available evidence, this alteration is classified as pathogenic.

NM_001128840.3(CACNA1D):c.3964C>T (p.Arg1322Ter)

Gene: CACNA1D (calcium voltage-gated channel subunit alpha1 D; plus strand). Cytogenetic location: 3p21.1.
Variant type: single nucleotide variant.
Coding change: c.3964C>T on transcript NM_001128840.3 (MANE Select); coding-DNA position 3964, C replaced by T.
Protein change: p.Arg1322Ter; replaces arginine 1322 with a stop codon.
Molecular consequence: nonsense.
Genome position (GRCh38, 1-based): chr3:53,770,472, C>T. VCF-style: chr3-53770472-C-T. GRCh37 (hg19) VCF-style: chr3-53804499-C-T.
Other names: c.4024C>T, p.Arg1342Ter (NM_000720.4); c.3919C>T, p.Arg1307Ter (NM_001128839.3); short protein forms R1307*, R1322*, R1342*.
Identifiers: ClinVar variation 2250129 (VCV002250129.2), dbSNP rs2474190262, ClinGen allele CA353257498.